The following is an entry in ClinVar:

NM_018076.5(ODAD2):c.3077G>A (p.Gly1026Asp)

Genes: ODAD2 (outer dynein arm docking complex subunit 2; minus strand), LOC132089773 (Neanderthal introgressed variant-containing enhancer experimental_12116; plus strand). Cytogenetic location: 10p12.1.
Variant type: single nucleotide variant.
Coding change: c.3077G>A on transcript NM_018076.5 (MANE Select); coding-DNA position 3077, G replaced by A.
Protein change: p.Gly1026Asp; replaces glycine 1026 with aspartic acid.
Molecular consequence: missense variant.
Genome position (GRCh38, 1-based): chr10:27,812,570, C>T on the plus strand (G>A on the coding strand, the complement: ODAD2 is on the minus strand). VCF-style: chr10-27812570-C-T. GRCh37 (hg19) VCF-style: chr10-28101499-C-T.
Other names: c.3077G>A, p.Gly1026Asp (NM_001290020.2); c.1774G>A, p.Val592Ile (NM_001290021.2); c.2153G>A, p.Gly718Asp (NM_001312689.2); short protein forms G1026D, G718D, V592I.
Identifiers: ClinVar variation 1312867 (VCV001312867.2), dbSNP rs2132708837, ClinGen allele CA376491045.

ClinVar aggregate classification (germline): Uncertain significance (1 of 4 stars; one submission).

Submission:

GeneDx
Classification: Uncertain significance. Last evaluated: 2020-07-07. Review status: criteria provided, single submitter. Criteria: GeneDx Variant Classification Process June 2021. Collection method: clinical testing. Allele origin: germline. Affected: yes.
Comment: Not observed in large population cohorts (Lek et al., 2016); In silico analysis supports that this missense variant has a deleterious effect on protein structure/function; Has not been previously published as pathogenic or benign to our knowledge